The following is an entry in ClinVar:

NM_022458.4(LMBR1):c.423+4801A>G

Genes: LMBR1 (limb development membrane protein 1; minus strand), SHH (sonic hedgehog signaling molecule; minus strand), ZRS (ZPA regulatory sequence; plus strand). Cytogenetic location: 7q36.3.
Variant type: single nucleotide variant.
Coding change: c.423+4801A>G on transcript NM_022458.4 (MANE Select); 4801 bases into the intron after coding-DNA position 423, A replaced by G.
Molecular consequence: intron variant.
Genome position (GRCh38, 1-based): chr7:156,791,588, T>C on the plus strand (A>G on the coding strand, the complement: LMBR1 is on the minus strand). VCF-style: chr7-156791588-T-C. GRCh37 (hg19) VCF-style: chr7-156584282-T-C.
Other names: c.360+4801A>G (NM_001363412.2); c.144+4801A>G (NM_001350954.2); c.423+4801A>G (NM_001363410.2, NM_001363409.2, NM_001350953.2); c.-112+4801A>G (NM_001350958.2, NM_001350956.2, NM_001350955.2 and 1 more transcripts); c.54+4801A>G (NM_001350957.2, NM_001363411.2).
Identifiers: ClinVar variation 3054726 (VCV003054726.4), dbSNP rs1408624541, ClinGen allele CA835804591.

ClinVar aggregate classification (germline): Likely benign. Review status: criteria provided, single submitter (1 of 4 stars). 2 submissions from 2 submitters: Likely benign (1). 1 of the submissions does not count toward it. Last evaluated 2024-10-08.

Conditions:
SHH-related disorder. Also called: SHH-related disorders; SHH-related condition.

Allele frequency attached by ClinVar (database versions not stated): gnomAD 0.00001; TOPMed 0.00002.

Submissions (2):

Labcorp Genetics (formerly Invitae), Labcorp
Classification: Likely benign. Last evaluated: 2024-10-08. Review status: criteria provided, single submitter. Criteria: Invitae Variant Classification Sherloc (09022015). Collection method: clinical testing. Allele origin: germline.

PreventionGenetics, part of Exact Sciences
Classification: Likely benign for SHH-related condition. Last evaluated: 2022-08-17. Review status: no assertion criteria provided. Collection method: clinical testing. Allele origin: germline. Not counted in ClinVar's aggregate classification.
Comment: This variant is classified as likely benign based on ACMG/AMP sequence variant interpretation guidelines (Richards et al. 2015 PMID: 25741868, with internal and published modifications).